The following is an entry in ClinVar:

ClinVar aggregate classification (germline): Conflicting classifications of pathogenicity. Review status: criteria provided, conflicting classifications (1 of 4 stars). 3 submissions from 3 submitters: Uncertain significance (2); Likely benign (1). Last evaluated 2026-05-26.

Conditions:
Hereditary breast ovarian cancer syndrome. Also called: Hereditary breast and ovarian cancer; Hereditary breast and ovarian cancer syndrome (HBOC); Hereditary breast and ovarian cancer syndrome; Breast and ovarian cancer; Hereditary breast and/or ovarian cancer syndrome; BRCA1- and BRCA2-Associated Hereditary Breast and Ovarian Cancer. Identifiers: Orphanet 145, MedGen C0677776, MeSH D061325, MONDO:0003582. Disease mechanism: loss of function.
Breast-ovarian cancer, familial, susceptibility to, 2 (BROVCA2). Also called: BRCA2 Hereditary Breast and Ovarian Cancer. Identifiers: Orphanet 145, MedGen C2675520, MONDO:0012933, OMIM 612555. Disease mechanism: loss of function.
Hereditary cancer-predisposing syndrome. Also called: Tumor predisposition; Hereditary Cancer Syndrome; Neoplastic Syndromes, Hereditary; Hereditary neoplastic syndrome. Identifiers: Orphanet 140162, MedGen C0027672, MeSH D009386, MONDO:0015356.

Allele frequency attached by ClinVar (database versions not stated): gnomAD exomes below 0.00001.
gnomAD v4.1: 1 of 1,614,196 alleles (0.000062%); highest among the groups gnomAD compares: East Asian, 0.0022%; no homozygotes.

Submissions (3):

Ambry Genetics
Classification: Likely benign for Hereditary cancer-predisposing syndrome. Last evaluated: 2026-05-26. Review status: criteria provided, single submitter. Criteria: Ambry Variant Classification Scheme 2023. Collection method: clinical testing. Allele origin: germline.

Labcorp Genetics (formerly Invitae), Labcorp
Classification: Uncertain significance for Hereditary breast ovarian cancer syndrome. Last evaluated: 2024-06-25. Review status: criteria provided, single submitter. Criteria: Invitae Variant Classification Sherloc (09022015). Collection method: clinical testing. Allele origin: germline.
Comment: This sequence change replaces alanine, which is neutral and non-polar, with threonine, which is neutral and polar, at codon 2637 of the BRCA2 protein (p.Ala2637Thr). This variant is not present in population databases (gnomAD no frequency). This variant has not been reported in the literature in individuals affected with BRCA2-related conditions. ClinVar contains an entry for this variant (Variation ID: 659984). Advanced modeling of protein sequence and biophysical properties (such as structural, functional, and spatial information, amino acid conservation, physicochemical variation, residue mobility, and thermodynamic stability) performed at Invitae indicates that this missense variant is not expected to disrupt BRCA2 protein function with a negative predictive value of 95%. In summary, the available evidence is currently insufficient to determine the role of this variant in disease. Therefore, it has been classified as a Variant of Uncertain Significance.

All of Us Research Program, National Institutes of Health
Classification: Uncertain significance for Breast-ovarian cancer, familial, susceptibility to, 2. Last evaluated: 2023-11-30. Review status: criteria provided, single submitter. Criteria: ACMG Guidelines, 2015. Collection method: clinical testing. Allele origin: germline. Inheritance: Autosomal dominant inheritance. Observed: 1 variant allele, 1 heterozygote.
Comment: This study involves interpretation of variants in research participants for the purpose of population health screening. Participant phenotype was not available at the time of variant classification. Additional details can be found in publication PMID: 35346344, PMCID: PMC8962531

NM_000059.4(BRCA2):c.7909G>A (p.Ala2637Thr)

Gene: BRCA2 (BRCA2 DNA repair associated; plus strand). Cytogenetic location: 13q13.1.
Variant type: single nucleotide variant.
Coding change: c.7909G>A on transcript NM_000059.4 (MANE Select); coding-DNA position 7909, G replaced by A.
Protein change: p.Ala2637Thr; replaces alanine 2637 with threonine.
Molecular consequence: missense variant.
Genome position (GRCh38, 1-based): chr13:32,362,626, G>A. VCF-style: chr13-32362626-G-A. GRCh37 (hg19) VCF-style: chr13-32936763-G-A.
Other names: short protein forms A2637T.
Identifiers: ClinVar variation 659984 (VCV000659984.11), dbSNP rs1593924159, ClinGen allele CA387747167.